The following is an entry in ClinVar:

ClinVar aggregate classification (germline): Uncertain significance (1 of 4 stars; one submission).

Allele frequency attached by ClinVar (database versions not stated): gnomAD 0.00001 and 0.00003; TOPMed 0.00001; gnomAD exomes 0.00002 and 0.00004; ExAC 0.00006.
gnomAD v4.1: 31 of 1,613,914 alleles (0.0019%); highest among the groups gnomAD compares: East Asian, 0.022%; no homozygotes.

Submission:

Labcorp Genetics (formerly Invitae), Labcorp
Classification: Uncertain significance. Last evaluated: 2020-10-01. Review status: criteria provided, single submitter. Criteria: Invitae Variant Classification Sherloc (09022015). Collection method: clinical testing. Allele origin: germline.
Comment: This sequence change replaces arginine with cysteine at codon 365 of the INPPL1 protein (p.Arg365Cys). The arginine residue is moderately conserved and there is a large physicochemical difference between arginine and cysteine. This variant is present in population databases (rs762904903, ExAC 0.06%). This variant has not been reported in the literature in individuals with INPPL1-related conditions. Algorithms developed to predict the effect of missense changes on protein structure and function are either unavailable or do not agree on the potential impact of this missense change (SIFT: "Deleterious"; PolyPhen-2: "Possibly Damaging"; Align-GVGD: "Class C0"). In summary, the available evidence is currently insufficient to determine the role of this variant in disease. Therefore, it has been classified as a Variant of Uncertain Significance.

NM_001567.4(INPPL1):c.1093C>T (p.Arg365Cys)

Gene: INPPL1 (inositol polyphosphate phosphatase like 1; plus strand). Cytogenetic location: 11q13.4.
Variant type: single nucleotide variant.
Coding change: c.1093C>T on transcript NM_001567.4 (MANE Select); coding-DNA position 1093, C replaced by T.
Protein change: p.Arg365Cys; replaces arginine 365 with cysteine.
Molecular consequence: missense variant.
Genome position (GRCh38, 1-based): chr11:72,230,364, C>T. VCF-style: chr11-72230364-C-T. GRCh37 (hg19) VCF-style: chr11-71941408-C-T.
Other names: short protein forms R365C.
Identifiers: ClinVar variation 1036309 (VCV001036309.8), dbSNP rs762904903, ClinGen allele CA6169910.